The following is an entry in ClinVar:

NM_001367624.2(ZNF469):c.646A>C (p.Thr216Pro)

Gene: ZNF469 (zinc finger protein 469; plus strand). Cytogenetic location: 16q24.2.
Variant type: single nucleotide variant.
Coding change: c.646A>C on transcript NM_001367624.2 (MANE Select); coding-DNA position 646, A replaced by C.
Protein change: p.Thr216Pro; replaces threonine 216 with proline.
Molecular consequence: missense variant.
Genome position (GRCh38, 1-based): chr16:88,428,116, A>C. VCF-style: chr16-88428116-A-C. GRCh37 (hg19) VCF-style: chr16-88494524-A-C.
Other names: NM_001127464.1:c.646A>C; short protein forms T216P.
Identifiers: ClinVar variation 1753692 (VCV001753692.3), dbSNP rs1905827976, ClinGen allele CA397061375.

ClinVar aggregate classification (germline): Uncertain significance (1 of 4 stars; one submission).

Conditions:
Cardiovascular phenotype. Identifiers: MedGen CN230736.

Submission:

Ambry Genetics
Classification: Uncertain significance for Cardiovascular phenotype. Last evaluated: 2025-04-17. Review status: criteria provided, single submitter. Criteria: Ambry Variant Classification Scheme 2023. Collection method: clinical testing. Allele origin: germline.
Comment: The p.T216P variant (also known as c.646A>C), located in coding exon 1 of the ZNF469 gene, results from an A to C substitution at nucleotide position 646. The threonine at codon 216 is replaced by proline, an amino acid with highly similar properties. This amino acid position is conserved. In addition, this alteration is predicted to be tolerated by in silico analysis. Since supporting evidence is limited at this time, the clinical significance of this alteration remains unclear.